The following is an entry in ClinVar:

ClinVar aggregate classification (germline): Likely pathogenic (1 of 4 stars; one submission).

Submission:

Labcorp Genetics (formerly Invitae), Labcorp
Classification: Likely pathogenic. Last evaluated: 2025-09-15. Review status: criteria provided, single submitter. Criteria: Invitae Variant Classification Sherloc (09022015). Collection method: clinical testing. Allele origin: germline.
Comment: This sequence change affects a donor splice site in intron 14 of the COL27A1 gene. It is expected to disrupt RNA splicing. Variants that disrupt the donor or acceptor splice site typically lead to a loss of protein function (PMID: 16199547), and loss-of-function variants in COL27A1 are known to be pathogenic (PMID: 24986830, 28276056). This variant is not present in population databases (gnomAD no frequency). This variant has not been reported in the literature in individuals affected with COL27A1-related conditions. ClinVar contains an entry for this variant (Variation ID: 959356). Algorithms developed to predict the effect of sequence changes on RNA splicing suggest that this variant may disrupt the consensus splice site. In summary, the currently available evidence indicates that the variant is pathogenic, but additional data are needed to prove that conclusively. Therefore, this variant has been classified as Likely Pathogenic.

Literature cited by the submitters: PubMed 16199547; PubMed 24986830; PubMed 28276056.

NM_032888.4(COL27A1):c.2466+1G>T

Gene: COL27A1 (collagen type XXVII alpha 1 chain; plus strand). Cytogenetic location: 9q32.
Variant type: single nucleotide variant.
Coding change: c.2466+1G>T on transcript NM_032888.4 (MANE Select); the canonical splice donor site of the intron after coding-DNA position 2466, G replaced by T.
Molecular consequence: splice donor variant.
Genome position (GRCh38, 1-based): chr9:114,222,268, G>T. VCF-style: chr9-114222268-G-T. GRCh37 (hg19) VCF-style: chr9-116984548-G-T.
Identifiers: ClinVar variation 959356 (VCV000959356.8), dbSNP rs1831165670, ClinGen allele CA374602941.